The following is an entry in ClinVar:

ClinVar aggregate classification (germline): Uncertain significance (1 of 4 stars; one submission).

Conditions:
DiGeorge syndrome. Also called: THIRD AND FOURTH PHARYNGEAL POUCH SYNDROME; Catch22. Identifiers: Orphanet 567, MedGen C0012236, MONDO:0008564, OMIM 188400.

gnomAD v4.1: 13 of 1,351,798 alleles (0.00096%); highest among the groups gnomAD compares: African/African-American, 0.018%; 1 homozygote.

Submission:

Labcorp Genetics (formerly Invitae), Labcorp
Classification: Uncertain significance for DiGeorge syndrome. Last evaluated: 2025-11-19. Review status: criteria provided, single submitter. Criteria: Invitae Variant Classification Sherloc (09022015). Collection method: clinical testing. Allele origin: germline.
Comment: This sequence change replaces proline, which is neutral and non-polar, with alanine, which is neutral and non-polar, at codon 352 of the TBX1 protein (p.Pro352Ala). This variant is not present in population databases (gnomAD no frequency). This variant has not been reported in the literature in individuals affected with TBX1-related conditions. ClinVar contains an entry for this variant (Variation ID: 3671958). An algorithm developed to predict the effect of missense changes on protein structure and function (PolyPhen-2) suggests that this variant is likely to be tolerated. In summary, the available evidence is currently insufficient to determine the role of this variant in disease. Therefore, it has been classified as a Variant of Uncertain Significance.

NM_001379200.1(TBX1):c.1081C>G (p.Pro361Ala)

Gene: TBX1 (T-box transcription factor 1; plus strand). Cytogenetic location: 22q11.21.
Variant type: single nucleotide variant.
Coding change: c.1081C>G on transcript NM_001379200.1 (MANE Select); coding-DNA position 1081, C replaced by G.
Protein change: p.Pro361Ala; replaces proline 361 with alanine.
Molecular consequence: missense variant. On other transcripts: intron variant (2).
Genome position (GRCh38, 1-based): chr22:19,766,433, C>G. VCF-style: chr22-19766433-C-G. GRCh37 (hg19) VCF-style: chr22-19753956-C-G.
Other names: c.1054C>G, p.Pro352Ala (NM_080647.1); c.1009+431C>G (NM_005992.1, NM_080646.2); short protein forms P352A, P361A.
Identifiers: ClinVar variation 3671958 (VCV003671958.2).